The following is an entry in ClinVar:

NM_001754.5(RUNX1):c.414A>T (p.Glu138Asp)

Genes: RUNX1-AS1 (RUNX1 antisense RNA 1; plus strand), RUNX1 (RUNX family transcription factor 1; minus strand). Cytogenetic location: 21q22.12.
Variant type: single nucleotide variant.
Coding change: c.414A>T on transcript NM_001754.5 (MANE Select); coding-DNA position 414, A replaced by T.
Protein change: p.Glu138Asp; replaces glutamic acid 138 with aspartic acid.
Molecular consequence: missense variant.
Genome position (GRCh38, 1-based): chr21:34,880,651, T>A on the plus strand (A>T on the coding strand, the complement: RUNX1 is on the minus strand). VCF-style: chr21-34880651-T-A. GRCh37 (hg19) VCF-style: chr21-36252948-T-A.
Other names: NM_001754.5(RUNX1):c.414A>T; p.Glu138Asp; c.333A>T, p.Glu111Asp (NM_001001890.3, NM_001122607.2); short protein forms E111D, E138D.
Identifiers: ClinVar variation 660172 (VCV000660172.12), dbSNP rs771823558, ClinGen allele CA320638000.

ClinVar aggregate classification (germline): Uncertain significance. Review status: reviewed by expert panel (3 of 4 stars). 4 submissions from 4 submitters: Uncertain significance (1). 3 of the submissions do not count toward it. Last evaluated 2024-07-11.

Conditions:
Inborn genetic diseases. Identifiers: MedGen C0950123, MeSH D030342.
Hereditary thrombocytopenia and hematologic cancer predisposition syndrome. Identifiers: Orphanet 71290, MedGen CN281654, MONDO:0011071.
Hereditary thrombocytopenia and hematological cancer predisposition syndrome associated with RUNX1. Also called: Familial Platelet Disorder with Propensity to Acute Myelogenous Leukemia; Familial thrombocytopenia with propensity to acute myelogenous leukemia; RUNX1 Familial Platelet Disorder with Associated Myeloid Malignancies; PLATELET DISORDER, ASPIRIN-LIKE. Identifiers: Orphanet 71290, MedGen C1832388, MeSH C563324, MONDO:0100083, OMIM 601399.

Allele frequency attached by ClinVar (database versions not stated): TOPMed 0.00001; gnomAD 0.00002 and 0.00003.
gnomAD v4.1: 26 of 1,614,000 alleles (0.0016%); highest among the groups gnomAD compares: Non-Finnish European, 0.0022%; no homozygotes.

Submissions (4):

ClinGen Myeloid Malignancy Variant Curation Expert Panel
Classification: Uncertain significance for Hereditary thrombocytopenia and hematologic cancer predisposition syndrome. Last evaluated: 2024-07-11. Review status: reviewed by expert panel. Criteria: ClinGen MyeloMalig ACMG Specifications v2. Collection method: curation. Allele origin: germline. Inheritance: Autosomal dominant inheritance.
Comment: NM_001754.5(RUNX1):c.414A>T (p.Glu138Asp) is a missense variant which is found within the Runt Homology Domain, but does not occur in an established hotspot residue (PM1_supporting). In summary, the clinical significance of this variant is uncertain. ACMG/AMP criteria applied, as specified by the Myeloid Malignancy Variant Curation Expert Panel for RUNX1: PM1_supporting.

Ambry Genetics
Classification: Uncertain significance for Inborn genetic diseases. Last evaluated: 2024-12-20. Review status: criteria provided, single submitter. Criteria: Ambry Variant Classification Scheme 2023. Collection method: clinical testing. Allele origin: germline. Not counted in ClinVar's aggregate classification.
Comment: The p.E138D variant (also known as c.414A>T), located in coding exon 4 of the RUNX1 gene, results from an A to T substitution at nucleotide position 414. The glutamic acid at codon 138 is replaced by aspartic acid, an amino acid with highly similar properties. This amino acid position is conserved. In addition, this alteration is predicted to be deleterious by in silico analysis. Based on the available evidence, the clinical significance of this variant remains unclear.

Labcorp Genetics (formerly Invitae), Labcorp
Classification: Uncertain significance for Hereditary thrombocytopenia and hematological cancer predisposition syndrome associated with RUNX1. Last evaluated: 2024-10-08. Review status: criteria provided, single submitter. Criteria: Invitae Variant Classification Sherloc (09022015). Collection method: clinical testing. Allele origin: germline. Not counted in ClinVar's aggregate classification.
Comment: This sequence change replaces glutamic acid, which is acidic and polar, with aspartic acid, which is acidic and polar, at codon 138 of the RUNX1 protein (p.Glu138Asp). This variant is not present in population databases (gnomAD no frequency). This variant has not been reported in the literature in individuals affected with RUNX1-related conditions. ClinVar contains an entry for this variant (Variation ID: 660172). Invitae Evidence Modeling of protein sequence and biophysical properties (such as structural, functional, and spatial information, amino acid conservation, physicochemical variation, residue mobility, and thermodynamic stability) has been performed for this missense variant. However, the output from this modeling did not meet the statistical confidence thresholds required to predict the impact of this variant on RUNX1 protein function. In summary, the available evidence is currently insufficient to determine the role of this variant in disease. Therefore, it has been classified as a Variant of Uncertain Significance.

GeneDx
Classification: Uncertain significance. Last evaluated: 2023-07-17. Review status: criteria provided, single submitter. Criteria: GeneDx Variant Classification Process June 2021. Collection method: clinical testing. Allele origin: germline. Affected: yes. Not counted in ClinVar's aggregate classification.
Comment: Not observed at significant frequency in large population cohorts (gnomAD); In silico analysis supports that this missense variant has a deleterious effect on protein structure/function; Has not been previously published as pathogenic or benign to our knowledge